The following is an entry in ClinVar:

NM_004385.5(VCAN):c.2312C>T (p.Thr771Ile)

Gene: VCAN (versican; plus strand). Cytogenetic location: 5q14.3.
Variant type: single nucleotide variant.
Coding change: c.2312C>T on transcript NM_004385.5 (MANE Select); coding-DNA position 2312, C replaced by T.
Protein change: p.Thr771Ile; replaces threonine 771 with isoleucine.
Molecular consequence: missense variant. On other transcripts: intron variant (2).
Genome position (GRCh38, 1-based): chr5:83,520,618, C>T. VCF-style: chr5-83520618-C-T. GRCh37 (hg19) VCF-style: chr5-82816437-C-T.
Other names: c.2312C>T, p.Thr771Ile (NM_001164098.2); c.1042+8222C>T (NM_001164097.2, NM_001126336.3); short protein forms T771I.
Identifiers: ClinVar variation 2962283 (VCV002962283.3), dbSNP rs367873835, ClinGen allele CA3332824.

ClinVar aggregate classification (germline): Uncertain significance (1 of 4 stars; one submission).

Allele frequency attached by ClinVar (database versions not stated): TOPMed 0.00003; gnomAD exomes 0.00002; ESP Exome Variant Server 0.00015; ExAC 0.00002; gnomAD 0.00003.
gnomAD v4.1: 27 of 1,613,836 alleles (0.0017%); highest among the groups gnomAD compares: Non-Finnish European, 0.0023%; no homozygotes.

Submission:

Labcorp Genetics (formerly Invitae), Labcorp
Classification: Uncertain significance. Last evaluated: 2025-05-23. Review status: criteria provided, single submitter. Criteria: Invitae Variant Classification Sherloc (09022015). Collection method: clinical testing. Allele origin: germline.
Comment: This sequence change replaces threonine, which is neutral and polar, with isoleucine, which is neutral and non-polar, at codon 771 of the VCAN protein (p.Thr771Ile). This variant is present in population databases (rs367873835, gnomAD 0.006%). This variant has not been reported in the literature in individuals affected with VCAN-related conditions. ClinVar contains an entry for this variant (Variation ID: 2962283). An algorithm developed to predict the effect of missense changes on protein structure and function outputs the following: PolyPhen-2: "Benign". The isoleucine amino acid residue is found in multiple mammalian species, which suggests that this missense change does not adversely affect protein function. In summary, the available evidence is currently insufficient to determine the role of this variant in disease. Therefore, it has been classified as a Variant of Uncertain Significance.